The following is an entry in ClinVar:

NM_000135.4(FANCA):c.189+7G>A

Gene: FANCA (FA complementation group A; minus strand). Cytogenetic location: 16q24.3.
Variant type: single nucleotide variant.
Coding change: c.189+7G>A on transcript NM_000135.4 (MANE Select); 7 bases into the intron after coding-DNA position 189, G replaced by A.
Molecular consequence: intron variant.
Genome position (GRCh38, 1-based): chr16:89,815,870, C>T on the plus strand (G>A on the coding strand, the complement: FANCA is on the minus strand). VCF-style: chr16-89815870-C-T. GRCh37 (hg19) VCF-style: chr16-89882278-C-T.
Other names: c.189+7G>A (LRG_495t1, NM_001286167.3, NM_001351830.2 and 1 more transcripts).
Identifiers: ClinVar variation 526473 (VCV000526473.15), dbSNP rs369985388, ClinGen allele CA8253148.

ClinVar aggregate classification (germline): Conflicting classifications of pathogenicity. Review status: criteria provided, conflicting classifications (1 of 4 stars). 3 submissions from 3 submitters: Uncertain significance (1); Likely benign (1). 1 of the submissions does not count toward it. Last evaluated 2025-12-16.

Conditions:
Fanconi anemia (FA). Also called: Fanconi's anemia. Identifiers: Orphanet 84, MedGen C0015625, MeSH D005199, MONDO:0019391.
Fanconi anemia complementation group A (FANCA). Also called: FANCA-Related Fanconi Anemia; Fanconi anemia, group A. Identifiers: Orphanet 84, MedGen C3469521, MONDO:0009215, OMIM 227650.
FANCA-related disorder. Also called: FANCA-related condition.

Allele frequency attached by ClinVar (database versions not stated): gnomAD exomes 0.00003 and 0.00009; TOPMed 0.00003; gnomAD 0.00004; ExAC 0.00005; ESP Exome Variant Server 0.00008.

Submissions (3):

Labcorp Genetics (formerly Invitae), Labcorp
Classification: Likely benign for Fanconi anemia. Last evaluated: 2025-12-16. Review status: criteria provided, single submitter. Criteria: Invitae Variant Classification Sherloc (09022015). Collection method: clinical testing. Allele origin: germline.

Illumina Laboratory Services, Illumina
Classification: Uncertain significance for Fanconi anemia complementation group A. Last evaluated: 2018-01-13. Review status: criteria provided, single submitter. Criteria: ICSL Variant Classification Criteria 13 December 2019. Collection method: clinical testing. Allele origin: germline.

PreventionGenetics, part of Exact Sciences
Classification: Likely benign for FANCA-related condition. Last evaluated: 2022-09-23. Review status: no assertion criteria provided. Collection method: clinical testing. Allele origin: germline. Not counted in ClinVar's aggregate classification.
Comment: This variant is classified as likely benign based on ACMG/AMP sequence variant interpretation guidelines (Richards et al. 2015 PMID: 25741868, with internal and published modifications).